The following is an entry in ClinVar:

NM_017563.5(IL17RD):c.1886A>G (p.Gln629Arg)

Genes: IL17RD (interleukin 17 receptor D; minus strand), LOC126806689 (BRD4-independent group 4 enhancer GRCh37_chr3:57131244-57132443; plus strand). Cytogenetic location: 3p14.3.
Variant type: single nucleotide variant.
Coding change: c.1886A>G on transcript NM_017563.5 (MANE Select); coding-DNA position 1886, A replaced by G.
Protein change: p.Gln629Arg; replaces glutamine 629 with arginine.
Molecular consequence: missense variant.
Genome position (GRCh38, 1-based): chr3:57,097,817, T>C on the plus strand (A>G on the coding strand, the complement: IL17RD is on the minus strand). VCF-style: chr3-57097817-T-C. GRCh37 (hg19) VCF-style: chr3-57131845-T-C.
Other names: c.1454A>G, p.Gln485Arg (NM_001318864.2); short protein forms Q485R, Q629R.
Identifiers: ClinVar variation 3357031 (VCV003357031.1).
Genomic context (GRCh38, chr3:57,097,817, plus strand): 5'-GTGTGCAGCAGGGGTTGCAGGGCGGCGCTACCGTCAAGGGCAGGCCGGGCCTCCCCGTCT[T>C]GGTCCAGGCCCCCATGCTGACTCTCGTGCTGGGAGTCGGCTGGTCCGGTTGCCCCAAGAA-3'
Protein context (NP_060033.3, residues 619-639): QHESQHGGLD[Gln629Arg]DGEARPALDG

ClinVar aggregate classification (germline): Uncertain significance (0 of 4 stars; one submission).

Conditions:
IL17RD-related disorder. Also called: IL17RD-related condition.

Submission:

PreventionGenetics, part of Exact Sciences
Classification: Uncertain significance for IL17RD-related condition. Last evaluated: 2024-06-11. Review status: no assertion criteria provided. Collection method: clinical testing. Allele origin: germline.
Comment: The IL17RD c.1886A>G variant is predicted to result in the amino acid substitution p.Gln629Arg. To our knowledge, this variant has not been reported in the literature or in a large population database, indicating this variant is rare. At this time, the clinical significance of this variant is uncertain due to the absence of conclusive functional and genetic evidence.